The following is an entry in ClinVar:

ClinVar aggregate classification (germline): Uncertain significance. Review status: criteria provided, multiple submitters, no conflicts (2 of 4 stars). 2 submissions from 2 submitters: Uncertain significance (2). Last evaluated 2025-07-18.

Conditions:
Familial thoracic aortic aneurysm and aortic dissection (TAAD). Also called: Thoracic aortic aneurysms and dissections. Identifiers: Orphanet 91387, MedGen C4707243, MONDO:0019625.

gnomAD v4.1: 6 of 1,613,758 alleles (0.00037%); highest among the groups gnomAD compares: Admixed American, 0.0017%; no homozygotes.

Submissions (2):

GeneDx
Classification: Uncertain significance. Last evaluated: 2025-07-18. Review status: criteria provided, single submitter. Criteria: GeneDx Variant Classification Process June 2021. Collection method: clinical testing. Allele origin: germline. Affected: yes.
Comment: Not observed at significant frequency in large population cohorts (gnomAD); In silico analysis supports that this missense variant has a deleterious effect on protein structure/function; Has not been previously published as pathogenic or benign to our knowledge

Color Diagnostics, LLC DBA Color Health
Classification: Uncertain significance for Familial thoracic aortic aneurysm and aortic dissection. Last evaluated: 2025-06-30. Review status: criteria provided, single submitter. Criteria: ACMG Guidelines, 2015. Collection method: clinical testing. Allele origin: germline.
Comment: This missense variant replaces glutamic acid with glycine at codon 1066 of the COL3A1 protein. Computational prediction is inconclusive regarding the impact of this variant on protein structure and function. To our knowledge, functional studies have not been reported for this variant. This variant has not been reported in individuals affected with COL3A1-related disorders in the literature. This variant has not been identified in the general population by the Genome Aggregation Database (gnomAD). The available evidence is insufficient to determine the role of this variant in disease conclusively. Therefore, this variant is classified as a Variant of Uncertain Significance.

NM_000090.4(COL3A1):c.3197A>G (p.Glu1066Gly)

Gene: COL3A1 (collagen type III alpha 1 chain; plus strand). Cytogenetic location: 2q32.2.
Variant type: single nucleotide variant.
Coding change: c.3197A>G on transcript NM_000090.4 (MANE Select); coding-DNA position 3197, A replaced by G.
Protein change: p.Glu1066Gly; replaces glutamic acid 1066 with glycine.
Molecular consequence: missense variant.
Genome position (GRCh38, 1-based): chr2:189,006,448, A>G. VCF-style: chr2-189006448-A-G. GRCh37 (hg19) VCF-style: chr2-189871174-A-G.
Other names: short protein forms E1066G.
Identifiers: ClinVar variation 4686419 (VCV004686419.2).